The following is an entry in ClinVar:

NM_001110556.2(FLNA):c.4507G>A (p.Ala1503Thr)

Gene: FLNA (filamin A; minus strand). Cytogenetic location: Xq28.
Variant type: single nucleotide variant.
Coding change: c.4507G>A on transcript NM_001110556.2 (MANE Select); coding-DNA position 4507, G replaced by A.
Protein change: p.Ala1503Thr; replaces alanine 1503 with threonine.
Molecular consequence: missense variant.
Genome position (GRCh38, 1-based): chrX:154,358,536, C>T on the plus strand (G>A on the coding strand, the complement: FLNA is on the minus strand). VCF-style: chrX-154358536-C-T. GRCh37 (hg19) VCF-style: chrX-153586904-C-T.
Other names: c.4507G>A (NM_001456.3); c.4507G>A, p.Ala1503Thr (NM_001456.4); short protein forms A1503T.
Identifiers: ClinVar variation 2004227 (VCV002004227.5), dbSNP rs1557177316, ClinGen allele CA415215814.

ClinVar aggregate classification (germline): Conflicting classifications of pathogenicity. Review status: criteria provided, conflicting classifications (1 of 4 stars). 2 submissions from 2 submitters: Uncertain significance (1); Likely benign (1). Last evaluated 2026-07-17.

Conditions:
Melnick-Needles syndrome (MNS). Also called: MELNICK-NEEDLES OSTEODYSPLASTY; OSTEODYSPLASTY OF MELNICK AND NEEDLES; Melnick-Needles Syndrome (FLNA-MNS). Identifiers: Orphanet 2484, MedGen C0025237, MONDO:0010650, OMIM 309350.
Frontometaphyseal dysplasia (FMD1). Identifiers: Orphanet 1826, MedGen C0265293, MONDO:0015942.
Heterotopia, periventricular, X-linked dominant (PVNH1). Also called: PERIVENTRICULAR NODULAR HETEROTOPIA 4; HETEROTOPIA, PERIVENTRICULAR, 1; PERIVENTRICULAR NODULAR HETEROTOPIA 1; X-linked periventricular heterotopia. Identifiers: Orphanet 2149, Orphanet 82004, MedGen C1848213, MONDO:0010233, OMIM 300049.
Oto-palato-digital syndrome, type II (OPD2). Also called: Otopalatodigital Syndrome, Type II; FACIOPALATOOSSEOUS SYNDROME; OPD II SYNDROME; Otopalatodigital Syndrome Type 2 (FLNA-OPD2). Identifiers: Orphanet 669, Orphanet 90652, MedGen C1844696, MONDO:0010571, OMIM 304120.
Familial thoracic aortic aneurysm and aortic dissection (TAAD). Also called: Thoracic aortic aneurysms and dissections. Identifiers: Orphanet 91387, MedGen C4707243, MONDO:0019625.

Allele frequency attached by ClinVar (database versions not stated): gnomAD exomes below 0.00001.

Submissions (2):

Ambry Genetics
Classification: Uncertain significance for Familial thoracic aortic aneurysm and aortic dissection. Last evaluated: 2026-07-17. Review status: criteria provided, single submitter. Criteria: Ambry Variant Classification Scheme 2023. Collection method: clinical testing. Allele origin: germline.
Comment: The p.A1503T variant (also known as c.4507G>A), located in coding exon 26 of the FLNA gene, results from a G to A substitution at nucleotide position 4507. The alanine at codon 1503 is replaced by threonine, an amino acid with similar properties. This amino acid position is conserved. In addition, this alteration is predicted to be tolerated by in silico analysis. Based on data from gnomAD, the A allele has an overall frequency of 0.0005% (1/202420) total alleles studied, with 1 hemizygote(s) observed. The highest observed frequency was 0.0011% (1/91710) of European (non-Finnish) alleles. Based on the available evidence, the clinical significance of this variant remains unclear.

Labcorp Genetics (formerly Invitae), Labcorp
Classification: Likely benign for Oto-palato-digital syndrome, type II; Heterotopia, periventricular, X-linked dominant; Frontometaphyseal dysplasia; Melnick-Needles syndrome. Last evaluated: 2025-11-08. Review status: criteria provided, single submitter. Criteria: Invitae Variant Classification Sherloc (09022015). Collection method: clinical testing. Allele origin: germline.